The following is an entry in ClinVar:

ClinVar aggregate classification (germline): Likely benign. Review status: criteria provided, multiple submitters, no conflicts (2 of 4 stars). 3 submissions from 3 submitters: Likely benign (2). 1 of the submissions does not count toward it. Last evaluated 2026-01-21.

Conditions:
XYLT1-related disorder. Also called: XYLT1-related condition.
Desbuquois dysplasia 1 (DBQD1). Also called: MICROMELIC DWARFISM WITH VERTEBRAL AND METAPHYSEAL ABNORMALITIES AND ADVANCED CARPOTARSAL OSSIFICATION; DESBUQUOIS DYSPLASIA 1, KIM VARIANT. Identifiers: Orphanet 1425, MedGen C4012146, MONDO:0009629, OMIM 251450.

Allele frequency attached by ClinVar (database versions not stated): 1000 Genomes Project 30x 0.00031; 1000 Genomes Project 0.00040; gnomAD 0.00067; TOPMed 0.00071; ESP Exome Variant Server 0.00085.
gnomAD v4.1: 1,386 of 1,614,106 alleles (0.086%); highest among the groups gnomAD compares: Non-Finnish European, 0.1%; 1 homozygote.

Submissions (3):

Labcorp Genetics (formerly Invitae), Labcorp
Classification: Likely benign for Desbuquois dysplasia 1. Last evaluated: 2026-01-21. Review status: criteria provided, single submitter. Criteria: Invitae Variant Classification Sherloc (09022015). Collection method: clinical testing. Allele origin: germline.

Blueprint Genetics
Classification: Likely benign. Last evaluated: 2024-09-18. Review status: criteria provided, single submitter. Criteria: ACMG Guidelines, 2015. Collection method: clinical testing. Allele origin: germline.

PreventionGenetics, part of Exact Sciences
Classification: Likely benign for XYLT1-related condition. Last evaluated: 2023-12-19. Review status: no assertion criteria provided. Collection method: clinical testing. Allele origin: germline. Not counted in ClinVar's aggregate classification.
Comment: This variant is classified as likely benign based on ACMG/AMP sequence variant interpretation guidelines (Richards et al. 2015 PMID: 25741868, with internal and published modifications).

NM_022166.4(XYLT1):c.2007G>A (p.Thr669=)

Gene: XYLT1 (xylosyltransferase 1; minus strand). Cytogenetic location: 16p12.3.
Variant type: single nucleotide variant.
Coding change: c.2007G>A on transcript NM_022166.4 (MANE Select); coding-DNA position 2007, G replaced by A.
Protein change: p.Thr669=; no amino-acid change (threonine 669 retained).
Molecular consequence: synonymous variant.
Genome position (GRCh38, 1-based): chr16:17,134,493, C>T on the plus strand (G>A on the coding strand, the complement: XYLT1 is on the minus strand). VCF-style: chr16-17134493-C-T. GRCh37 (hg19) VCF-style: chr16-17228350-C-T.
Identifiers: ClinVar variation 541799 (VCV000541799.15), dbSNP rs150492983, ClinGen allele CA7927703.